The following is an entry in ClinVar:

ClinVar aggregate classification (germline): Likely benign (1 of 4 stars; one submission).

gnomAD v4.1: 2 of 1,610,494 alleles (0.00012%); highest among the groups gnomAD compares: Admixed American, 0.0017%; no homozygotes.

Submission:

Mayo Clinic Laboratories, Mayo Clinic
Classification: Likely benign. Last evaluated: 2025-01-23. Review status: criteria provided, single submitter. Criteria: ACMG Guidelines, 2015. Collection method: clinical testing. Allele origin: germline. Observed: 2 variant alleles.
Comment: BP4, BP7, PM2_supporting

NM_001009944.3(PKD1):c.5358G>C (p.Pro1786=)

Gene: PKD1 (polycystin 1, transient receptor potential channel interacting; minus strand). Cytogenetic location: 16p13.3.
Variant type: single nucleotide variant.
Coding change: c.5358G>C on transcript NM_001009944.3 (MANE Select); coding-DNA position 5358, G replaced by C.
Protein change: p.Pro1786=; no amino-acid change (proline 1786 retained).
Molecular consequence: synonymous variant.
Genome position (GRCh38, 1-based): chr16:2,109,809, C>G on the plus strand (G>C on the coding strand, the complement: PKD1 is on the minus strand). VCF-style: chr16-2109809-C-G. GRCh37 (hg19) VCF-style: chr16-2159810-C-G.
Other names: p.Pro1786=; c.5358G>C, p.Pro1786= (NM_000296.4).
Identifiers: ClinVar variation 4684053 (VCV004684053.1).